The following is an entry in ClinVar:

ClinVar aggregate classification (germline): Conflicting classifications of pathogenicity. Review status: criteria provided, conflicting classifications (1 of 4 stars). 3 submissions from 3 submitters: Pathogenic (1); Likely pathogenic (1); Uncertain significance (1). Last evaluated 2026-08-09.

Conditions:
Inborn genetic diseases. Identifiers: MedGen C0950123, MeSH D030342.
Generalized epilepsy with febrile seizures plus, type 2 (GEFSP2). Also called: GEFS+, TYPE 2. Identifiers: Orphanet 36387, MedGen C1858673, MONDO:0011461, OMIM 604403.

Submissions (3):

GeneDx
Classification: Pathogenic. Last evaluated: 2026-08-09. Review status: criteria provided, single submitter. Criteria: GeneDx Variant Classification Process June 2021. Collection method: clinical testing. Allele origin: germline.
Comment: Not observed at significant frequency in large population cohorts (gnomAD); In silico analysis supports that this missense variant has a deleterious effect on protein structure/function; This substitution is predicted to be within the transmembrane segment S5 of the first homologous domain; Has not been previously published as pathogenic or benign to our knowledge

Ambry Genetics
Classification: Uncertain significance for Inborn genetic diseases. Last evaluated: 2026-02-23. Review status: criteria provided, single submitter. Criteria: Ambry Variant Classification Scheme 2023. Collection method: clinical testing. Allele origin: germline.
Comment: The c.800A>C (p.Q267P) alteration is located in exon 6 (coding exon 6) of the SCN1A gene. This alteration results from a A to C substitution at nucleotide position 800, causing the glutamine (Q) at amino acid position 267 to be replaced by a proline (P). This variant was not reported in population-based cohorts in the Genome Aggregation Database (gnomAD). This amino acid position is highly conserved in available vertebrate species. This alteration is predicted to be deleterious by in silico analysis. Based on insufficient or conflicting evidence, the clinical significance of this alteration remains unclear.

3billion
Classification: Likely pathogenic for Generalized epilepsy with febrile seizures plus, type 2. Last evaluated: 2025-11-10. Review status: criteria provided, single submitter. Criteria: ACMG Guidelines, 2015. Collection method: clinical testing. Allele origin: germline. Affected: yes.
Comment: The variant is not observed in the gnomAD v4.1.0 dataset. Predicted Consequence/Location: The variant is located in a mutational hot spot and/or well-established functional domain in which established pathogenic variants have been reported (N/A). In silico tool predictions suggest damaging effect of the variant on gene or gene product [REVEL: 0.99 (>=0.6, sensitivity 0.68 and specificity 0.92); 3Cnet: 0.99 (> 0.75, sensitivity 0.96 and precision 0.92)]. The same nucleotide change resulting in the same amino acid change has been previously reported to be associated with SCN1A-related disorder (ClinVar ID: VCV000450061). Therefore, this variant is classified as Likely pathogenic according to the recommendation of ACMG/AMP guideline.

NM_001165963.4(SCN1A):c.800A>C (p.Gln267Pro)

Gene: SCN1A (sodium voltage-gated channel alpha subunit 1; minus strand). Cytogenetic location: 2q24.3.
Variant type: single nucleotide variant.
Coding change: c.800A>C on transcript NM_001165963.4 (MANE Select); coding-DNA position 800, A replaced by C.
Protein change: p.Gln267Pro; replaces glutamine 267 with proline.
Molecular consequence: missense variant. On other transcripts: 5 prime UTR variant (1), non-coding transcript variant (1).
Genome position (GRCh38, 1-based): chr2:166,051,883, T>G on the plus strand (A>C on the coding strand, the complement: SCN1A is on the minus strand). VCF-style: chr2-166051883-T-G. GRCh37 (hg19) VCF-style: chr2-166908393-T-G.
Other names: c.800A>C, p.Gln267Pro (NM_001165964.3, NM_001202435.3, NM_001353948.2 and 10 more transcripts); c.-1626A>C (NM_001353961.2); short protein forms Q267P.
Identifiers: ClinVar variation 450061 (VCV000450061.5), dbSNP rs200034964, ClinGen allele CA349073305.